The following is an entry in ClinVar:

NM_007294.4(BRCA1):c.134+15G>C

Gene: BRCA1 (BRCA1 DNA repair associated; minus strand). Cytogenetic location: 17q21.31.
Variant type: single nucleotide variant.
Coding change: c.134+15G>C on transcript NM_007294.4 (MANE Select); 15 bases into the intron after coding-DNA position 134, G replaced by C.
Molecular consequence: intron variant.
Genome position (GRCh38, 1-based): chr17:43,115,711, C>G on the plus strand (G>C on the coding strand, the complement: BRCA1 is on the minus strand). VCF-style: chr17-43115711-C-G. GRCh37 (hg19) VCF-style: chr17-41267728-C-G.
Other names: c.-8+15G>C (NM_001408458.1, NM_001408470.1, NM_001407848.1 and 47 more transcripts); c.-219+9566G>C (NM_001407967.1); c.-170+9566G>C (NM_001407959.1); c.-7-9178G>C (NM_001407931.1, NM_001407747.1, NM_001408511.1 and 2 more transcripts); c.-170+15G>C (NM_001407962.1, NM_001408512.1, NM_001408510.1 and 1 more transcripts); c.-55+15G>C (NM_001407885.1, NM_001407886.1, NM_001408509.1 and 52 more transcripts); c.-124+15G>C (NM_001407746.1, NM_001408468.1, NM_001407842.1 and 13 more transcripts); c.-8+8306G>C (NM_001408461.1, NM_001407738.1, NM_001407932.1 and 23 more transcripts); and 10 more.
Identifiers: ClinVar variation 867849 (VCV000867849.3), dbSNP rs863224417, ClinGen allele CA916080963.
Genomic context (GRCh38, chr17:43,115,711, plus strand): 5'-AGTTAGGTGTTTCCTGGGTTATGAAGGACAAAAACAAAAGCTAATAATGGAGCCACATAA[C>G]ACATTCAAACTTACTTGCAAAATATGTGGTCACACTTTGTGGAGACAGGTTCCTTGATCA-3'

Conditions:
Breast-ovarian cancer, familial, susceptibility to, 1 (BROVCA1). Also called: BRCA1 Hereditary Breast and Ovarian Cancer; OVARIAN CANCER, SUSCEPTIBILITY TO. Identifiers: Orphanet 145, MedGen C2676676, MONDO:0011450, OMIM 604370. Disease mechanism: loss of function.

Submission:

Brotman Baty Institute, University of Washington
No classification provided (evidence only). Condition: Breast-ovarian cancer, familial 1. Review status: no classification provided. Collection method: in vitro. Allele origin: not applicable. Functional consequence: functionally_normal.
ClinVar note: "not provided" was previously submitted as the classification for the variant. However, the classification appeared to be based only on an observation of functional data so it was converted to no classification on 2025-07-30.